The following is an entry in ClinVar:

ClinVar aggregate classification (germline): Pathogenic. Review status: reviewed by expert panel (3 of 4 stars). 12 submissions from 12 submitters: Pathogenic (1). 11 of the submissions do not count toward it. Last evaluated 2016-09-08.

Conditions:
Hereditary cancer-predisposing syndrome. Also called: Hereditary Cancer Syndrome; Neoplastic Syndromes, Hereditary; Hereditary neoplastic syndrome; Tumor predisposition. Identifiers: Orphanet 140162, MedGen C0027672, MeSH D009386, MONDO:0015356.
Gastric cancer. Also called: Stomach cancer; Malignant tumor of stomach. Identifiers: MedGen C0024623, MeSH D013274, MONDO:0001056, OMIM 613659, HP:0012126.
Malignant tumor of urinary bladder. Also called: Urinary bladder cancer; Urinary Bladder Neoplasms; Bladder cancer. Identifiers: MedGen C0005684, MONDO:0001187, OMIM 109800.
Hereditary breast ovarian cancer syndrome. Also called: Hereditary breast and ovarian cancer syndrome; Breast and ovarian cancer; BRCA1- and BRCA2-Associated Hereditary Breast and Ovarian Cancer; Hereditary breast and/or ovarian cancer syndrome; Hereditary breast and ovarian cancer; Hereditary breast and ovarian cancer syndrome (HBOC). Identifiers: Orphanet 145, MedGen C0677776, MeSH D061325, MONDO:0003582. Disease mechanism: loss of function.
Breast-ovarian cancer, familial, susceptibility to, 2 (BROVCA2). Also called: BRCA2 Hereditary Breast and Ovarian Cancer. Identifiers: Orphanet 145, MedGen C2675520, MONDO:0012933, OMIM 612555. Disease mechanism: loss of function.

Submissions (12):

Evidence-based Network for the Interpretation of Germline Mutant Alleles (ENIGMA)
Classification: Pathogenic for Breast-ovarian cancer, familial, susceptibility to, 2. Last evaluated: 2016-09-08. Review status: reviewed by expert panel. Criteria: ENIGMA BRCA1/2 Classification Criteria (2015). Collection method: curation. Allele origin: germline.
Comment: Variant allele predicted to encode a truncated non-functional protein.

Labcorp Genetics (formerly Invitae), Labcorp
Classification: Pathogenic for Hereditary breast ovarian cancer syndrome. Last evaluated: 2025-09-14. Review status: criteria provided, single submitter. Criteria: Invitae Variant Classification Sherloc (09022015). Collection method: clinical testing. Allele origin: germline. Not counted in ClinVar's aggregate classification.
Comment: This sequence change creates a premature translational stop signal (p.Gln421*) in the BRCA2 gene. It is expected to result in an absent or disrupted protein product. Loss-of-function variants in BRCA2 are known to be pathogenic (PMID: 20104584). This variant is not present in population databases (gnomAD no frequency). This premature translational stop signal has been observed in individual(s) with clinical features of hereditary breast and ovarian cancer syndrome (PMID: 19353265, 29446198). ClinVar contains an entry for this variant (Variation ID: 51092). For these reasons, this variant has been classified as Pathogenic.

Ambry Genetics
Classification: Pathogenic for Hereditary cancer-predisposing syndrome. Last evaluated: 2025-03-11. Review status: criteria provided, single submitter. Criteria: Ambry Variant Classification Scheme 2023. Collection method: clinical testing. Allele origin: germline. Not counted in ClinVar's aggregate classification.
Comment: The p.Q421* pathogenic mutation (also known as c.1261C>T), located in coding exon 9 of the BRCA2 gene, results from a C to T substitution at nucleotide position 1261. This changes the amino acid from a glutamine to a stop codon within coding exon 9. This mutation has been reported in multiple high-risk breast and/or ovarian cancer cohorts (Kwong et al. Breast Cancer Res Treat. 2009 Oct;117(3):683-6; Kwong et al. PLoS One. 2012;7(9):e43994; Rebbeck TR et al. Hum Mutat, 2018 05;39:593-620; Huang KL et al. Cell, 2018 04;173:355-370.e14). In addition to the clinical data presented in the literature, this alteration is expected to result in loss of function by premature protein truncation or nonsense-mediated mRNA decay. As such, this alteration is interpreted as a disease-causing mutation.

Color Diagnostics, LLC DBA Color Health
Classification: Pathogenic for Hereditary cancer-predisposing syndrome. Last evaluated: 2024-01-08. Review status: criteria provided, single submitter. Criteria: ACMG Guidelines, 2015. Collection method: clinical testing. Allele origin: germline. Not counted in ClinVar's aggregate classification.
Comment: This variant changes 1 nucleotide in exon 10 of the BRCA2 gene, creating a premature translation stop signal. This variant is expected to result in an absent or non-functional protein product. This variant has been reported in individual with a personal or family history of breast or ovarian cancer (PMID: 19353265, 29446198, 29625052, 35464868, 38114467) and in an unaffected individual (PMID: 32980694). This variant has not been identified in the general population by the Genome Aggregation Database (gnomAD). Loss of BRCA2 function is a known mechanism of disease. Based on the available evidence, this variant is classified as Pathogenic.

All of Us Research Program, National Institutes of Health
Classification: Pathogenic for Breast-ovarian cancer, familial, susceptibility to, 2. Last evaluated: 2023-11-15. Review status: criteria provided, single submitter. Criteria: ACMG Guidelines, 2015. Collection method: clinical testing. Allele origin: germline. Inheritance: Autosomal dominant inheritance. Observed: 1 variant allele, 1 heterozygote. Not counted in ClinVar's aggregate classification.
Comment: The c.1261C>T (p.Gln421*) variant in the BRCA2 gene is located on the exon 10 and introduces a premature translation termination codon (p.Gln421*), resulting in an absent or disrupted protein product. The variant has been reported in multiple individuals with breast/ovarian/prostate cancer (PMID: 31209999, 19353265, 35464868, 22970155, 31214711, 30287823). Loss-of-function variants of BRCA2 are known to be pathogenic (PMID: 8988179, 11897832, 29446198). The variant is reported in ClinVar as pathogenic (ID: 51092) and reviewed by the expert panel. This variant is absent in the general population database (gnomAD). Therefore, the c.1261C>T (p.Gln421*) variant of BRCA2 has been classified as pathogenic.

This study involves interpretation of variants in research participants for the purpose of population health screening. Participant phenotype was not available at the time of variant classification. Additional details can be found in publication PMID: 35346344, PMCID: PMC8962531

National Health Laboratory Service, Universitas Academic Hospital and University of the Free State
Classification: Pathogenic for Hereditary breast ovarian cancer syndrome. Last evaluated: 2022-04-19. Review status: criteria provided, single submitter. Criteria: ACMG Guidelines, 2015. Collection method: clinical testing. Allele origin: germline. Affected: yes. Observed: 2 variant alleles. Not counted in ClinVar's aggregate classification.

Women's Health and Genetics/Laboratory Corporation of America, LabCorp
Classification: Pathogenic for Hereditary breast and ovarian cancer syndrome. Last evaluated: 2018-06-15. Review status: criteria provided, single submitter. Criteria: LabCorp Variant Classification Summary - May 2015. Collection method: clinical testing. Allele origin: germline. Not counted in ClinVar's aggregate classification.
Comment: Variant summary: BRCA2 c.1261C>T (p.Gln421X) results in a premature termination codon, predicted to cause a truncation of the encoded protein or absence of the protein due to nonsense mediated decay, which are commonly known mechanisms for disease. Truncations downstream of this position have been classified as pathogenic by our laboratory (eg. c.1265delA (p.Asn422fsX8), c.1310_1313delAAGA (p.Lys437fsX22), and c.1456C>T (p.Gln486X)). The variant was absent in 240472 control chromosomes (gnomAD). The variant, c.1261C>T, has been reported in the literature in an individual affected with Hereditary Breast and Ovarian Cancer (Kwong_2009). To our knowledge, no experimental evidence demonstrating an impact on protein function has been reported. Three ClinVar submissions from clinical diagnostic laboratories (evaluation after 2014) cite the variant as pathogenic. Based on the evidence outlined above, the variant was classified as pathogenic.

Consortium of Investigators of Modifiers of BRCA1/2 (CIMBA), c/o University of Cambridge
Classification: Pathogenic for Breast-ovarian cancer, familial, susceptibility to, 2. Last evaluated: 2015-10-02. Review status: criteria provided, single submitter. Criteria: CIMBA Mutation Classification guidelines May 2016. Collection method: clinical testing. Allele origin: germline. Not counted in ClinVar's aggregate classification.

Laboratory for Genotyping Development, RIKEN
Classification: Pathogenic for Gastric cancer. Last evaluated: 2021-07-01. Review status: no assertion criteria provided. Collection method: research. Allele origin: germline. Not counted in ClinVar's aggregate classification.

Research Molecular Genetics Laboratory, Women's College Hospital, University of Toronto
Classification: Pathogenic for Hereditary breast ovarian cancer syndrome. Last evaluated: 2014-01-31. Review status: no assertion criteria provided. Collection method: research. Allele origin: germline. Affected: yes. Study: The Canadian Open Genetics Repository (COGR). Not counted in ClinVar's aggregate classification.

Breast Cancer Information Core (BIC) (BRCA2)
No classification provided. Condition: Breast-ovarian cancer, familial 2. Review status: no classification provided. Collection method: clinical testing. Allele origin: germline, somatic. Affected: yes. Observed: 2 variant alleles. Not counted in ClinVar's aggregate classification.

Laboratory of Urology, Hospital Clinic de Barcelona
Classification: Pathogenic for Malignant tumor of urinary bladder. Review status: no assertion criteria provided. Collection method: research. Allele origin: somatic. Affected: yes. Not counted in ClinVar's aggregate classification.

Literature cited by the submitters: PubMed 20104584 (cited by Labcorp Genetics (formerly Invitae), Labcorp); PubMed 19353265 (cited by 4 submitters); PubMed 29446198 (cited by 4 submitters); PubMed 29625052 (cited by Ambry Genetics and Color Diagnostics, LLC DBA Color Health); PubMed 32980694 (cited by Color Diagnostics, LLC DBA Color Health); PubMed 35464868 (cited by Color Diagnostics, LLC DBA Color Health and All of Us Research Program, National Institutes of Health); PubMed 38114467 (cited by Color Diagnostics, LLC DBA Color Health); PubMed 8988179 (cited by All of Us Research Program, National Institutes of Health); PubMed 11897832 (cited by All of Us Research Program, National Institutes of Health); PubMed 22970155 (cited by All of Us Research Program, National Institutes of Health); PubMed 30287823 (cited by All of Us Research Program, National Institutes of Health); PubMed 31209999 (cited by All of Us Research Program, National Institutes of Health); PubMed 31214711 (cited by All of Us Research Program, National Institutes of Health); DOI 10.3389/fgene.2022.834265 (cited by National Health Laboratory Service, Universitas Academic Hospital and University of the Free State); PubMed 36988593 (cited by Laboratory for Genotyping Development, RIKEN).

NM_000059.4(BRCA2):c.1261C>T (p.Gln421Ter)

Gene: BRCA2 (BRCA2 DNA repair associated; plus strand). Cytogenetic location: 13q13.1.
Variant type: single nucleotide variant.
Coding change: c.1261C>T on transcript NM_000059.4 (MANE Select); coding-DNA position 1261, C replaced by T.
Protein change: p.Gln421Ter; replaces glutamine 421 with a stop codon.
Molecular consequence: nonsense.
Genome position (GRCh38, 1-based): chr13:32,332,739, C>T. VCF-style: chr13-32332739-C-T. GRCh37 (hg19) VCF-style: chr13-32906876-C-T.
Other names: NP_000050.3:p.Gln421Ter; short protein forms Q421*.
Identifiers: ClinVar variation 51092 (VCV000051092.57), dbSNP rs80358419, ClinGen allele CA011382.